The following is an entry in ClinVar:

NM_001044385.2(TMEM237):c.-376C>T

Gene: TMEM237 (transmembrane protein 237; minus strand). Cytogenetic location: 2q33.1.
Variant type: single nucleotide variant.
Coding change: c.-376C>T on transcript NM_001044385.2; 376 bases upstream of the start codon, C replaced by T.
Genome position (GRCh38, 1-based): chr2:201,643,776, G>A on the plus strand (C>T on the coding strand, the complement: TMEM237 is on the minus strand). VCF-style: chr2-201643776-G-A. GRCh37 (hg19) VCF-style: chr2-202508499-G-A.
Identifiers: ClinVar variation 667553 (VCV000667553.3), dbSNP rs11686850, ClinGen allele CA15148230.
Genomic context (GRCh38, chr2:201,643,776, plus strand): 5'-AACTTTTTCTCAACCTTAAAATCAAATCCAACCTCACATAAATATCACTACAAACTACCT[G>A]ATTTGCATCGTTTGGTTTGGTTGGGTTTGTTTTTTTTTAAAGATAACTTTCACTTTAAGT-3'

ClinVar aggregate classification (germline): Benign (1 of 4 stars; one submission).

Allele frequency attached by ClinVar (database versions not stated): gnomAD 0.49055 and 0.48824; 1000 Genomes Project 0.51418; TOPMed 0.50244; 1000 Genomes Project 30x 0.50625.

Submission:

GeneDx
Classification: Benign. Last evaluated: 2018-06-14. Review status: criteria provided, single submitter. Criteria: GeneDx Variant Classification (06012015). Collection method: clinical testing. Allele origin: germline. Affected: yes.
Comment: This variant is considered likely benign or benign based on one or more of the following criteria: it is a conservative change, it occurs at a poorly conserved position in the protein, it is predicted to be benign by multiple in silico algorithms, and/or has population frequency not consistent with disease.